The following is an entry in ClinVar:

NM_002907.4(RECQL):c.211G>A (p.Glu71Lys)

Gene: RECQL (RecQ like helicase; minus strand). Cytogenetic location: 12p12.1.
Variant type: single nucleotide variant.
Coding change: c.211G>A on transcript NM_002907.4 (MANE Select); coding-DNA position 211, G replaced by A.
Protein change: p.Glu71Lys; replaces glutamic acid 71 with lysine.
Molecular consequence: missense variant.
Genome position (GRCh38, 1-based): chr12:21,491,522, C>T on the plus strand (G>A on the coding strand, the complement: RECQL is on the minus strand). VCF-style: chr12-21491522-C-T. GRCh37 (hg19) VCF-style: chr12-21644456-C-T.
Other names: c.211G>A, p.Glu71Lys (NM_032941.3); short protein forms E71K.
Identifiers: ClinVar variation 1700469 (VCV001700469.9), dbSNP rs750704118, ClinGen allele CA6479177.

ClinVar aggregate classification (germline): Uncertain significance. Review status: criteria provided, multiple submitters, no conflicts (2 of 4 stars). 3 submissions from 3 submitters: Uncertain significance (3). Last evaluated 2023-03-06.

Allele frequency attached by ClinVar (database versions not stated): ExAC 0.00043.

Submissions (3):

Ambry Genetics
Classification: Uncertain significance. Last evaluated: 2023-03-06. Review status: criteria provided, single submitter. Criteria: Ambry Variant Classification Scheme 2023. Collection method: clinical testing. Allele origin: germline.
Comment: The p.E71K variant (also known as c.211G>A), located in coding exon 2 of the RECQL gene, results from a G to A substitution at nucleotide position 211. The glutamic acid at codon 71 is replaced by lysine, an amino acid with similar properties. This amino acid position is conserved. In addition, this alteration is predicted to be tolerated by in silico analysis. Since supporting evidence is limited at this time, the clinical significance of this alteration remains unclear.

Labcorp Genetics (formerly Invitae), Labcorp
Classification: Uncertain significance. Last evaluated: 2022-11-15. Review status: criteria provided, single submitter. Criteria: Invitae Variant Classification Sherloc (09022015). Collection method: clinical testing. Allele origin: germline.
Comment: This sequence change replaces glutamic acid, which is acidic and polar, with lysine, which is basic and polar, at codon 71 of the RECQL protein (p.Glu71Lys). In summary, the available evidence is currently insufficient to determine the role of this variant in disease. Therefore, it has been classified as a Variant of Uncertain Significance. Algorithms developed to predict the effect of missense changes on protein structure and function (SIFT, PolyPhen-2, Align-GVGD) all suggest that this variant is likely to be tolerated. ClinVar contains an entry for this variant (Variation ID: 1700469). This variant has not been reported in the literature in individuals affected with RECQL-related conditions. The frequency data for this variant in the population databases is considered unreliable, as metrics indicate poor data quality at this position in the gnomAD database.

GeneDx
Classification: Uncertain significance. Last evaluated: 2022-02-08. Review status: criteria provided, single submitter. Criteria: GeneDx Variant Classification Process June 2021. Collection method: clinical testing. Allele origin: germline. Affected: yes.
Comment: Not observed at significant frequency in large population cohorts (gnomAD); In silico analysis supports that this missense variant does not alter protein structure/function; Has not been previously published as pathogenic or benign to our knowledge; This variant is associated with the following publications: (PMID: 19151156, 27248010)